The following is an entry in ClinVar:

NR_033294.2(SNORD118):n.123G>A

Genes: SNORD118 (small nucleolar RNA, C/D box 118; minus strand), TMEM107 (transmembrane protein 107; minus strand). Cytogenetic location: 17p13.1.
Variant type: single nucleotide variant.
Molecular consequence: non-coding transcript variant (on NR_033294.2). On other transcripts: 3 prime UTR variant (5).
Genome position: GRCh38 VCF-style: chr17-8173466-C-T. GRCh37 (hg19) VCF-style: chr17-8076784-C-T.
Other names: c.*737G>A (NM_001351278.2, NM_001351279.2, NM_001351280.2 and 2 more transcripts).
Identifiers: ClinVar variation 1920411 (VCV001920411.3), dbSNP rs201397948, ClinGen allele CA8370586.
Genomic context (GRCh38, chr17:8,173,466, plus strand): 5'-GATATCTGCTAATCAGCATAACACAAATGTAAGTGATCGTCAGAAAGAATCAGACAGGAG[C>T]AATCAGGGTGTTGCAAGTCCTGATTACGCAGAGACGTTAATCACGTTTCATGCATCTCCA-3'

ClinVar aggregate classification (germline): Uncertain significance (1 of 4 stars; one submission).

Allele frequency attached by ClinVar (database versions not stated): 1000 Genomes Project 30x 0.00016; ESP Exome Variant Server 0.00017.
gnomAD v4.1: 81 of 764,296 alleles (0.011%); highest among the groups gnomAD compares: African/African-American, 0.037%; no homozygotes.

Submission:

Labcorp Genetics (formerly Invitae), Labcorp
Classification: Uncertain significance. Last evaluated: 2025-11-18. Review status: criteria provided, single submitter. Criteria: Invitae Variant Classification Sherloc (09022015). Collection method: clinical testing. Allele origin: germline.
Comment: This variant occurs in the SNORD118 gene, which encodes an RNA molecule that does not result in a protein product. This variant is present in population databases (rs201397948, gnomAD 0.04%). This variant has not been reported in the literature in individuals affected with SNORD118-related conditions. ClinVar contains an entry for this variant (Variation ID: 1920411). Experimental studies and prediction algorithms are not available or were not evaluated, and the functional significance of this variant is currently unknown. In summary, the available evidence is currently insufficient to determine the role of this variant in disease. Therefore, it has been classified as a Variant of Uncertain Significance.